The following is an entry in ClinVar:

ClinVar aggregate classification (germline): Uncertain significance. Review status: criteria provided, multiple submitters, no conflicts (2 of 4 stars). 2 submissions from 2 submitters: Uncertain significance (2). Last evaluated 2026-01-12.

Conditions:
Inborn genetic diseases. Identifiers: MedGen C0950123, MeSH D030342.

Allele frequency attached by ClinVar (database versions not stated): ESP Exome Variant Server 0.00008; ExAC 0.00016.

Submissions (2):

Labcorp Genetics (formerly Invitae), Labcorp
Classification: Uncertain significance. Last evaluated: 2026-01-12. Review status: criteria provided, single submitter. Criteria: Invitae Variant Classification Sherloc (09022015). Collection method: clinical testing. Allele origin: germline.
Comment: This sequence change replaces phenylalanine, which is neutral and non-polar, with tyrosine, which is neutral and polar, at codon 31 of the INTU protein (p.Phe31Tyr). This variant is present in population databases (rs148080788, gnomAD 0.03%). This variant has not been reported in the literature in individuals affected with INTU-related conditions. ClinVar contains an entry for this variant (Variation ID: 2079097). An algorithm developed to predict the effect of missense changes on protein structure and function outputs the following: PolyPhen-2: "Benign". The tyrosine amino acid residue is found in multiple mammalian species, which suggests that this missense change does not adversely affect protein function. In summary, the available evidence is currently insufficient to determine the role of this variant in disease. Therefore, it has been classified as a Variant of Uncertain Significance.

Ambry Genetics
Classification: Uncertain significance for Inborn genetic diseases. Last evaluated: 2021-08-13. Review status: criteria provided, single submitter. Criteria: Ambry Variant Classification Scheme 2023. Collection method: clinical testing. Allele origin: germline.

NM_015693.4(INTU):c.92T>A (p.Phe31Tyr)

Gene: INTU (inturned planar cell polarity protein; plus strand). Cytogenetic location: 4q28.1.
Variant type: single nucleotide variant.
Coding change: c.92T>A on transcript NM_015693.4 (MANE Select); coding-DNA position 92, T replaced by A.
Protein change: p.Phe31Tyr; replaces phenylalanine 31 with tyrosine.
Molecular consequence: missense variant.
Genome position (GRCh38, 1-based): chr4:127,633,126, T>A. VCF-style: chr4-127633126-T-A. GRCh37 (hg19) VCF-style: chr4-128554281-T-A.
Other names: short protein forms F31Y.
Identifiers: ClinVar variation 2079097 (VCV002079097.5), dbSNP rs148080788, ClinGen allele CA3074704.